The following is an entry in ClinVar:

NM_005592.4(MUSK):c.545dup (p.Glu183fs)

Gene: MUSK (muscle associated receptor tyrosine kinase; plus strand). Cytogenetic location: 9q31.3.
Variant type: Duplication.
Coding change: c.545dup on transcript NM_005592.4 (MANE Select); coding-DNA position 545, one base duplicated (A; older notation c.545dupA).
Protein change: p.Glu183fs; shifts the reading frame from glutamic acid 183.
Molecular consequence: frameshift variant.
Genome position (GRCh38, 1-based): chr9:110,697,383, A duplicated; the last of 4 consecutive A bases (chr9:110,697,380-110,697,383); duplicating any one gives the same sequence. VCF-style (leftmost placement, unchanged base first): chr9-110697379-C-CA. GRCh37 (hg19) VCF-style: chr9-113459659-C-CA.
Other names: c.545dup, p.Glu183fs (NM_001166280.2, NM_001166281.2); short protein forms E183fs.
Identifiers: ClinVar variation 2937395 (VCV002937395.3), dbSNP rs2490678140, ClinGen allele CA2691182544.
Genomic context (GRCh38, chr9:110,697,379, plus strand): 5'-TGGCAGGAAAATTCCCGAATTGCAGTTCTTGAATCTGGGAGCTTGAGGATTCATAACGTA[C>CA]AAAAGGAAGATGCAGGACAGTATCGATGTGTGGCAAAAAACAGCCTCGGGACAGCATATT-3'

ClinVar aggregate classification (germline): Pathogenic (1 of 4 stars; one submission).

Conditions:
Congenital myasthenic syndrome 9. Also called: Myasthenic syndrome, congenital, 9, associated with acetylcholine receptor deficiency. Identifiers: Orphanet 590, MedGen C4225368, MONDO:0014587, OMIM 616325.
Fetal akinesia deformation sequence 1 (FADS1). Also called: Fetal akinesia sequence; Pena-Shokeir syndrome type I. Identifiers: Orphanet 994, MedGen C1276035, MONDO:0100101, OMIM 208150, HP:0001989.

Submission:

Labcorp Genetics (formerly Invitae), Labcorp
Classification: Pathogenic for Congenital myasthenic syndrome 9; Fetal akinesia deformation sequence 1. Last evaluated: 2025-06-01. Review status: criteria provided, single submitter. Criteria: Invitae Variant Classification Sherloc (09022015). Collection method: clinical testing. Allele origin: germline.
Comment: This sequence change creates a premature translational stop signal (p.Glu183Glyfs*27) in the MUSK gene. It is expected to result in an absent or disrupted protein product. Loss-of-function variants in MUSK are known to be pathogenic (PMID: 8653786, 25612909, 25695962, 25900532). This variant is not present in population databases (gnomAD no frequency). This variant has not been reported in the literature in individuals affected with MUSK-related conditions. ClinVar contains an entry for this variant (Variation ID: 2937395). For these reasons, this variant has been classified as Pathogenic.

Literature cited by the submitters: PubMed 8653786; PubMed 25612909; PubMed 25695962; PubMed 25900532.